The following is an entry in ClinVar:

NM_001164508.2(NEB):c.4894G>A (p.Val1632Ile)

Gene: NEB (nebulin; minus strand). Cytogenetic location: 2q23.3.
Variant type: single nucleotide variant.
Coding change: c.4894G>A on transcript NM_001164508.2 (MANE Select); coding-DNA position 4894, G replaced by A.
Protein change: p.Val1632Ile; replaces valine 1632 with isoleucine.
Molecular consequence: missense variant.
Genome position (GRCh38, 1-based): chr2:151,666,227, C>T on the plus strand (G>A on the coding strand, the complement: NEB is on the minus strand). VCF-style: chr2-151666227-C-T. GRCh37 (hg19) VCF-style: chr2-152522741-C-T.
Other names: c.4894G>A, p.Val1632Ile (NM_001164507.2, NM_001271208.2, NM_004543.5); short protein forms V1632I.
Identifiers: ClinVar variation 655985 (VCV000655985.12), dbSNP rs1575593044, ClinGen allele CA348813486.

ClinVar aggregate classification (germline): Uncertain significance. Review status: criteria provided, single submitter (1 of 4 stars). 2 submissions from 2 submitters: Uncertain significance (1). 1 of the submissions does not count toward it. Last evaluated 2022-12-02.

Conditions:
Nemaline myopathy 2 (NEM2). Also called: Nemaline myopathy 2, autosomal recessive. Identifiers: MedGen C1850569, MONDO:0009725, OMIM 256030.

Allele frequency attached by ClinVar (database versions not stated): gnomAD exomes below 0.00001; gnomAD 0.00001.
gnomAD v4.1: 3 of 1,613,844 alleles (0.00019%); highest among the groups gnomAD compares: South Asian, 0.0033%; no homozygotes.

Submissions (2):

Labcorp Genetics (formerly Invitae), Labcorp
Classification: Uncertain significance for Nemaline myopathy 2. Last evaluated: 2022-12-02. Review status: criteria provided, single submitter. Criteria: Invitae Variant Classification Sherloc (09022015). Collection method: clinical testing. Allele origin: germline.
Comment: This sequence change replaces valine, which is neutral and non-polar, with isoleucine, which is neutral and non-polar, at codon 1632 of the NEB protein (p.Val1632Ile). This variant is not present in population databases (gnomAD no frequency). This variant has not been reported in the literature in individuals affected with NEB-related conditions. ClinVar contains an entry for this variant (Variation ID: 655985). Algorithms developed to predict the effect of missense changes on protein structure and function are either unavailable or do not agree on the potential impact of this missense change (SIFT: "Tolerated"; PolyPhen-2: "Not Available"; Align-GVGD: "Class C0"). In summary, the available evidence is currently insufficient to determine the role of this variant in disease. Therefore, it has been classified as a Variant of Uncertain Significance.

Natera, Inc.
Classification: Uncertain significance for Nemaline myopathy type 2. Last evaluated: 2021-03-19. Review status: no assertion criteria provided. Collection method: clinical testing. Allele origin: germline. Not counted in ClinVar's aggregate classification.